The following is an entry in ClinVar:

ClinVar aggregate classification (germline): Uncertain significance (1 of 4 stars; one submission).

Conditions:
BAP1-related tumor predisposition syndrome (TPDS1). Also called: BAP1 tumor predisposition syndrome; Tumor susceptibility linked to germline BAP1 mutations; COMMON Syndrome; TUMOR PREDISPOSITION SYNDROME 1. Identifiers: Orphanet 289539, MedGen C3280492, MONDO:0013692, OMIM 614327.

Allele frequency attached by ClinVar (database versions not stated): TOPMed below 0.00001.

Submission:

Labcorp Genetics (formerly Invitae), Labcorp
Classification: Uncertain significance for BAP1-related tumor predisposition syndrome. Last evaluated: 2022-06-16. Review status: criteria provided, single submitter. Criteria: Invitae Variant Classification Sherloc (09022015). Collection method: clinical testing. Allele origin: germline.
Comment: In summary, the available evidence is currently insufficient to determine the role of this variant in disease. Therefore, it has been classified as a Variant of Uncertain Significance. Algorithms developed to predict the effect of missense changes on protein structure and function are either unavailable or do not agree on the potential impact of this missense change (SIFT: "Deleterious"; PolyPhen-2: "Probably Damaging"; Align-GVGD: "Class C0"). This variant has not been reported in the literature in individuals affected with BAP1-related conditions. This variant is not present in population databases (gnomAD no frequency). This sequence change replaces glycine, which is neutral and non-polar, with valine, which is neutral and non-polar, at codon 554 of the BAP1 protein (p.Gly554Val).

NM_004656.4(BAP1):c.1661G>T (p.Gly554Val)

Gene: BAP1 (BRCA1 associated deubiquitinase 1; minus strand). Cytogenetic location: 3p21.1.
Variant type: single nucleotide variant.
Coding change: c.1661G>T on transcript NM_004656.4 (MANE Select); coding-DNA position 1661, G replaced by T.
Protein change: p.Gly554Val; replaces glycine 554 with valine.
Molecular consequence: missense variant.
Genome position (GRCh38, 1-based): chr3:52,403,484, C>A on the plus strand (G>T on the coding strand, the complement: BAP1 is on the minus strand). VCF-style: chr3-52403484-C-A. GRCh37 (hg19) VCF-style: chr3-52437500-C-A.
Other names: c.1607G>T, p.Gly536Val (NM_001410772.1); short protein forms G554V, G536V.
Identifiers: ClinVar variation 2007412 (VCV002007412.4), dbSNP rs1284389116, ClinGen allele CA353100055.